The following is an entry in ClinVar:

NM_000090.4(COL3A1):c.1919T>C (p.Leu640Ser)

Gene: COL3A1 (collagen type III alpha 1 chain; plus strand). Cytogenetic location: 2q32.2.
Variant type: single nucleotide variant.
Coding change: c.1919T>C on transcript NM_000090.4 (MANE Select); coding-DNA position 1919, T replaced by C.
Protein change: p.Leu640Ser; replaces leucine 640 with serine.
Molecular consequence: missense variant.
Genome position (GRCh38, 1-based): chr2:188,997,749, T>C. VCF-style: chr2-188997749-T-C. GRCh37 (hg19) VCF-style: chr2-189862475-T-C.
Other names: short protein forms L640S.
Identifiers: ClinVar variation 1171720 (VCV001171720.3), dbSNP rs2153502847, ClinGen allele CA349853846.
Genomic context (GRCh38, chr2:188,997,749, plus strand): 5'-TACTTTTCTAGGGGCCTGGTGGTGACAAAGGAGACACAGGACCCCCTGGTCCACAAGGAT[T>C]ACAAGTAAGAACTTGTTATTTAAATGTCACGGCATATCTGACTGTCAAATTTTTTTGTGT-3'
Protein context (NP_000081.2, residues 630-650): GDTGPPGPQG[Leu640Ser]QGLPGTGGPP

ClinVar aggregate classification (germline): Uncertain significance (1 of 4 stars; one submission).

Conditions:
Familial thoracic aortic aneurysm and aortic dissection (TAAD). Also called: Thoracic aortic aneurysms and dissections. Identifiers: Orphanet 91387, MedGen C4707243, MONDO:0019625.

gnomAD v4.1: 1 of 1,613,984 alleles (0.000062%); highest among the groups gnomAD compares: Non-Finnish European, 0.000085%; no homozygotes.

Submission:

Color Diagnostics, LLC DBA Color Health
Classification: Uncertain significance for Familial thoracic aortic aneurysm and aortic dissection. Last evaluated: 2024-03-06. Review status: criteria provided, single submitter. Criteria: ACMG Guidelines, 2015. Collection method: clinical testing. Allele origin: germline.
Comment: This missense variant replaces leucine with serine at codon 640 of the COL3A1 protein. Computational prediction suggests that this variant may not impact protein structure and function (internally defined REVEL score threshold <= 0.5, PMID: 27666373). To our knowledge, functional studies have not been reported for this variant. This variant has not been reported in individuals affected with cardiovascular disorders in the literature. This variant has not been identified in the general population by the Genome Aggregation Database (gnomAD). The available evidence is insufficient to determine the role of this variant in disease conclusively. Therefore, this variant is classified as a Variant of Uncertain Significance.